The following is an entry in ClinVar:

NM_001429.4(EP300):c.5636C>T (p.Pro1879Leu)

Gene: EP300 (EP300 lysine acetyltransferase; plus strand). Cytogenetic location: 22q13.2.
Variant type: single nucleotide variant.
Coding change: c.5636C>T on transcript NM_001429.4 (MANE Select); coding-DNA position 5636, C replaced by T.
Protein change: p.Pro1879Leu; replaces proline 1879 with leucine.
Molecular consequence: missense variant.
Genome position (GRCh38, 1-based): chr22:41,177,347, C>T. VCF-style: chr22-41177347-C-T. GRCh37 (hg19) VCF-style: chr22-41573351-C-T.
Other names: c.5558C>T, p.Pro1853Leu (NM_001362843.2); short protein forms P1853L, P1879L.
Identifiers: ClinVar variation 2629008 (VCV002629008.2), dbSNP rs141530780, ClinGen allele CA10253675.
Genomic context (GRCh38, chr22:41,177,347, plus strand): 5'-CTGGCCAACAGCCAACCACCCCGCAGACGCCCCAGCCCACTTCTCAGCCTCAGCCTACCC[C>T]TCCCAATAGCATGCCACCCTACTTGCCCAGGACTCAAGCTGCTGGCCCTGTGTCCCAGGG-3'
Protein context (NP_001420.2, residues 1869-1889): PQPTSQPQPT[Pro1879Leu]PNSMPPYLPR

ClinVar aggregate classification (germline): Uncertain significance (1 of 4 stars; one submission).

Conditions:
EP300-related disorder. Also called: EP300-related disorders; EP300-related condition.

Allele frequency attached by ClinVar (database versions not stated): gnomAD 0.00001; TOPMed 0.00001; ExAC 0.00003; ESP Exome Variant Server 0.00015.
gnomAD v4.1: 69 of 1,613,946 alleles (0.0043%); highest among the groups gnomAD compares: Non-Finnish European, 0.0056%; no homozygotes.

Submission:

PreventionGenetics, part of Exact Sciences
Classification: Uncertain significance for EP300-related condition. Last evaluated: 2026-09-02. Review status: criteria provided, single submitter. Criteria: ACMG Guidelines, 2015. Collection method: clinical testing. Allele origin: germline.
Comment: The EP300 c.5636C>T variant is predicted to result in the amino acid substitution p.Pro1879Leu. To our knowledge, this variant has not been reported in the literature. This variant is reported in 0.0053% of alleles in individuals of European (Non-Finnish) descent in gnomAD. Although we suspect that this variant may be benign, at this time, the clinical significance of this variant is uncertain due to the absence of conclusive functional and genetic evidence.